The following is an entry in ClinVar:

NM_032193.4(RNASEH2C):c.223G>C (p.Val75Leu)

Gene: RNASEH2C (ribonuclease H2 subunit C; minus strand). Cytogenetic location: 11q13.1.
Variant type: single nucleotide variant.
Coding change: c.223G>C on transcript NM_032193.4 (MANE Select); coding-DNA position 223, G replaced by C.
Protein change: p.Val75Leu; replaces valine 75 with leucine.
Molecular consequence: missense variant.
Genome position (GRCh38, 1-based): chr11:65,720,367, C>G on the plus strand (G>C on the coding strand, the complement: RNASEH2C is on the minus strand). VCF-style: chr11-65720367-C-G. GRCh37 (hg19) VCF-style: chr11-65487838-C-G.
Other names: short protein forms V75L.
Identifiers: ClinVar variation 2181043 (VCV002181043.1), dbSNP rs1857352830, ClinGen allele CA381298974.

ClinVar aggregate classification (germline): Uncertain significance (1 of 4 stars; one submission).

Conditions:
Aicardi-Goutieres syndrome 3. Identifiers: Orphanet 51, MedGen C1835916, MONDO:0012471, OMIM 610329.

Submission:

Labcorp Genetics (formerly Invitae), Labcorp
Classification: Uncertain significance for Aicardi-Goutieres syndrome 3. Last evaluated: 2022-04-21. Review status: criteria provided, single submitter. Criteria: Invitae Variant Classification Sherloc (09022015). Collection method: clinical testing. Allele origin: germline.
Comment: This sequence change replaces valine, which is neutral and non-polar, with leucine, which is neutral and non-polar, at codon 75 of the RNASEH2C protein (p.Val75Leu). This variant is not present in population databases (gnomAD no frequency). This variant has not been reported in the literature in individuals affected with RNASEH2C-related conditions. Algorithms developed to predict the effect of missense changes on protein structure and function output the following: SIFT: "Tolerated"; PolyPhen-2: "Benign"; Align-GVGD: "Class C0". The leucine amino acid residue is found in multiple mammalian species, which suggests that this missense change does not adversely affect protein function. In summary, the available evidence is currently insufficient to determine the role of this variant in disease. Therefore, it has been classified as a Variant of Uncertain Significance.